The following is an entry in ClinVar:

ClinVar aggregate classification (germline): Pathogenic (1 of 4 stars; one submission).

Conditions:
Multiple congenital exostosis (EXT). Also called: MULTIPLE CARTILAGINOUS EXOSTOSES; Multiple osteochondromas; Hereditary multiple exostoses; Hereditary multiple exostosis; Multiple exostoses; Hereditary multiple osteochondromas. Identifiers: Orphanet 321, MedGen C0015306, MONDO:0005508, HP:0002762.

Submission:

Labcorp Genetics (formerly Invitae), Labcorp
Classification: Pathogenic for Multiple congenital exostosis. Last evaluated: 2019-12-11. Review status: criteria provided, single submitter. Criteria: Invitae Variant Classification Sherloc (09022015). Collection method: clinical testing. Allele origin: germline.
Comment: This variant is a gross deletion of the genomic region encompassing exon 1 of the EXT1 gene, which includes the initiator codon. The 5' end of this event is unknown as it extends beyond the assayed region for this gene and therefore may encompass additional genes. The 3' boundary is likely confined to intron 1 of the EXT1 gene. This is expected to result in an absent or disrupted protein product. Similar deletions of exon 1 have been observed in individuals affected with multiple exostoses (PMID: 15221792, 22382802). Loss-of-function variants in EXT1 are known to be pathogenic (PMID: 10679937, 11391482, 19810120). For these reasons, this variant has been classified as Pathogenic.

Literature cited by the submitters: PubMed 15221792; PubMed 22382802.

NC_000008.11:g.(?_118110065)_(118111066_?)del

Gene: EXT1 (exostosin glycosyltransferase 1; minus strand). Cytogenetic location: 8q24.11.
Variant type: Deletion.
Identifiers: ClinVar variation 664442 (VCV000664442.2).